The following is an entry in ClinVar:

Conditions:
Long QT syndrome 5 (LQT5). Identifiers: Orphanet 101016, Orphanet 768, MedGen C1867904, MONDO:0013372, OMIM 613695.

Submission:

Roden Lab, Vanderbilt University Medical Center
No classification provided (evidence only). Condition: Long QT syndrome 5. Review status: no classification provided. Collection method: in vitro. Allele origin: not applicable. Functional consequence: Effect on ion channel function.
ClinVar note: "not provided" was previously submitted as the classification for the variant. However, the classification appeared to be based only on an observation of functional data so it was converted to no classification on 2025-07-30.

NM_000219.6(KCNE1):c.266A>C (p.Glu89Ala)

Gene: KCNE1 (potassium voltage-gated channel subfamily E regulatory subunit 1; minus strand). Cytogenetic location: 21q22.12.
Variant type: single nucleotide variant.
Coding change: c.266A>C on transcript NM_000219.6 (MANE Select); coding-DNA position 266, A replaced by C.
Protein change: p.Glu89Ala; replaces glutamic acid 89 with alanine.
Molecular consequence: missense variant.
Genome position (GRCh38, 1-based): chr21:34,449,369, T>G on the plus strand (A>C on the coding strand, the complement: KCNE1 is on the minus strand). VCF-style: chr21-34449369-T-G. GRCh37 (hg19) VCF-style: chr21-35821667-T-G.
Other names: c.266A>C, p.Glu89Ala (NM_001127668.4, NM_001127669.4, NM_001127670.4 and 4 more transcripts); short protein forms E89A.
Identifiers: ClinVar variation 3374480 (VCV003374480.2).